The following is an entry in ClinVar:

NM_015909.4(NBAS):c.5582A>T (p.His1861Leu)

Gene: NBAS (NBAS subunit of NRZ tethering complex; minus strand). Cytogenetic location: 2p24.3.
Variant type: single nucleotide variant.
Coding change: c.5582A>T on transcript NM_015909.4 (MANE Select); coding-DNA position 5582, A replaced by T.
Protein change: p.His1861Leu; replaces histidine 1861 with leucine.
Molecular consequence: missense variant. On other transcripts: non-coding transcript variant (1).
Genome position (GRCh38, 1-based): chr2:15,275,626, T>A on the plus strand (A>T on the coding strand, the complement: NBAS is on the minus strand). VCF-style: chr2-15275626-T-A. GRCh37 (hg19) VCF-style: chr2-15415750-T-A.
Other names: short protein forms H1861L.
Identifiers: ClinVar variation 1975310 (VCV001975310.3), dbSNP rs2528115246, ClinGen allele CA345882638.

ClinVar aggregate classification (germline): Uncertain significance (1 of 4 stars; one submission).

Allele frequency attached by ClinVar (database versions not stated): gnomAD exomes below 0.00001.
gnomAD v4.1: 2 of 1,614,182 alleles (0.00012%); highest among the groups gnomAD compares: Admixed American, 0.0033%; no homozygotes.

Submission:

Labcorp Genetics (formerly Invitae), Labcorp
Classification: Uncertain significance. Last evaluated: 2022-06-10. Review status: criteria provided, single submitter. Criteria: Invitae Variant Classification Sherloc (09022015). Collection method: clinical testing. Allele origin: germline.
Comment: This sequence change replaces histidine, which is basic and polar, with leucine, which is neutral and non-polar, at codon 1861 of the NBAS protein (p.His1861Leu). This variant is not present in population databases (gnomAD no frequency). This variant has not been reported in the literature in individuals affected with NBAS-related conditions. Algorithms developed to predict the effect of missense changes on protein structure and function are either unavailable or do not agree on the potential impact of this missense change (SIFT: "Deleterious"; PolyPhen-2: "Benign"; Align-GVGD: "Class C65"). In summary, the available evidence is currently insufficient to determine the role of this variant in disease. Therefore, it has been classified as a Variant of Uncertain Significance.